The following is an entry in ClinVar:

ClinVar aggregate classification (germline): Uncertain significance (1 of 4 stars; one submission).

Allele frequency attached by ClinVar (database versions not stated): gnomAD exomes below 0.00001; gnomAD 0.00001; ExAC 0.00002; 1000 Genomes Project 30x 0.00016; 1000 Genomes Project 0.00020.
gnomAD v4.1: 6 of 1,610,990 alleles (0.00037%); highest among the groups gnomAD compares: South Asian, 0.0022%; no homozygotes.

Submission:

Labcorp Genetics (formerly Invitae), Labcorp
Classification: Uncertain significance. Last evaluated: 2024-10-15. Review status: criteria provided, single submitter. Criteria: Invitae Variant Classification Sherloc (09022015). Collection method: clinical testing. Allele origin: germline.
Comment: This sequence change replaces arginine, which is basic and polar, with glutamine, which is neutral and polar, at codon 268 of the GTF2E2 protein (p.Arg268Gln). This variant is present in population databases (rs571887654, gnomAD 0.006%). This variant has not been reported in the literature in individuals affected with GTF2E2-related conditions. ClinVar contains an entry for this variant (Variation ID: 1966114). Invitae Evidence Modeling of protein sequence and biophysical properties (such as structural, functional, and spatial information, amino acid conservation, physicochemical variation, residue mobility, and thermodynamic stability) indicates that this missense variant is not expected to disrupt GTF2E2 protein function with a negative predictive value of 80%. In summary, the available evidence is currently insufficient to determine the role of this variant in disease. Therefore, it has been classified as a Variant of Uncertain Significance.

NM_002095.6(GTF2E2):c.803G>A (p.Arg268Gln)

Gene: GTF2E2 (general transcription factor IIE subunit 2; minus strand). Cytogenetic location: 8p12.
Variant type: single nucleotide variant.
Coding change: c.803G>A on transcript NM_002095.6 (MANE Select); coding-DNA position 803, G replaced by A.
Protein change: p.Arg268Gln; replaces arginine 268 with glutamine.
Molecular consequence: missense variant.
Genome position (GRCh38, 1-based): chr8:30,578,994, C>T on the plus strand (G>A on the coding strand, the complement: GTF2E2 is on the minus strand). VCF-style: chr8-30578994-C-T. GRCh37 (hg19) VCF-style: chr8-30436511-C-T.
Other names: short protein forms R268Q.
Identifiers: ClinVar variation 1966114 (VCV001966114.4), dbSNP rs571887654, ClinGen allele CA4700855.